The following is an entry in ClinVar:

ClinVar aggregate classification (germline): Conflicting classifications of pathogenicity. Review status: criteria provided, conflicting classifications (1 of 4 stars). 4 submissions from 4 submitters: Uncertain significance (3); Likely benign (1). Last evaluated 2025-06-29.

Conditions:
Hereditary cancer-predisposing syndrome. Also called: Neoplastic Syndromes, Hereditary; Hereditary neoplastic syndrome; Tumor predisposition; Hereditary Cancer Syndrome. Identifiers: Orphanet 140162, MedGen C0027672, MeSH D009386, MONDO:0015356.
Familial adenomatous polyposis 2. Also called: COLORECTAL ADENOMATOUS POLYPOSIS, AUTOSOMAL RECESSIVE; MYH-associated polyposis; FAP type 2; MUTYH-related attenuated familial adenomatous polyposis; MUTYH-associated polyposis; MUTYH Polyposis. Identifiers: Orphanet 220460, Orphanet 247798, MedGen C3272841, MONDO:0012041, OMIM 608456.

Allele frequency attached by ClinVar (database versions not stated): gnomAD exomes below 0.00001.
gnomAD v4.1: 2 of 1,613,872 alleles (0.00012%); highest among the groups gnomAD compares: Non-Finnish European, 0.00017%; no homozygotes.

Submissions (4):

Labcorp Genetics (formerly Invitae), Labcorp
Classification: Uncertain significance for Familial adenomatous polyposis 2. Last evaluated: 2025-06-29. Review status: criteria provided, single submitter. Criteria: Invitae Variant Classification Sherloc (09022015). Collection method: clinical testing. Allele origin: germline.
Comment: This sequence change replaces leucine, which is neutral and non-polar, with valine, which is neutral and non-polar, at codon 11 of the MUTYH protein (p.Leu11Val). This variant is not present in population databases (gnomAD no frequency). This variant has not been reported in the literature in individuals affected with MUTYH-related conditions. ClinVar contains an entry for this variant (Variation ID: 238344). An algorithm developed to predict the effect of missense changes on protein structure and function (PolyPhen-2) suggests that this variant is likely to be tolerated. In summary, the available evidence is currently insufficient to determine the role of this variant in disease. Therefore, it has been classified as a Variant of Uncertain Significance.

Ambry Genetics
Classification: Likely benign for Hereditary cancer-predisposing syndrome. Last evaluated: 2024-11-27. Review status: criteria provided, single submitter. Criteria: Ambry Variant Classification Scheme 2023. Collection method: clinical testing. Allele origin: germline.

Color Diagnostics, LLC DBA Color Health
Classification: Uncertain significance for Hereditary cancer-predisposing syndrome. Last evaluated: 2024-03-06. Review status: criteria provided, single submitter. Criteria: ACMG Guidelines, 2015. Collection method: clinical testing. Allele origin: germline.
Comment: This missense variant replaces leucine with valine at codon 11 of the MUTYH protein. Computational prediction suggests that this variant may not impact protein structure and function. To our knowledge, functional studies have not been reported for this variant. This variant has not been reported in individuals affected with hereditary cancer in the literature. This variant has not been identified in the general population by the Genome Aggregation Database (gnomAD). The available evidence is insufficient to determine the role of this variant in disease conclusively. Therefore, this variant is classified as a Variant of Uncertain Significance.

All of Us Research Program, National Institutes of Health
Classification: Uncertain significance for Familial adenomatous polyposis 2. Last evaluated: 2023-10-27. Review status: criteria provided, single submitter. Criteria: ACMG Guidelines, 2015. Collection method: clinical testing. Allele origin: germline. Inheritance: Autosomal recessive inheritance. Observed: 2 variant alleles, 2 heterozygotes.
Comment: This missense variant replaces leucine with valine at codon 11 of the MUTYH protein. Computational prediction suggests that this variant may not impact protein structure and function (internally defined REVEL score threshold <= 0.5, PMID: 27666373). To our knowledge, functional studies have not been reported for this variant. This variant has not been reported in individuals affected with hereditary cancer in the literature. This variant has not been identified in the general population by the Genome Aggregation Database (gnomAD). The available evidence is insufficient to determine the role of this variant in disease conclusively. Therefore, this variant is classified as a Variant of Uncertain Significance.

This study involves interpretation of variants in research participants for the purpose of population health screening. Participant phenotype was not available at the time of variant classification. Additional details can be found in publication PMID: 35346344, PMCID: PMC8962531

NM_001128425.2(MUTYH):c.31C>G (p.Leu11Val)

Genes: MUTYH (mutY DNA glycosylase; minus strand), TOE1 (target of EGR1, exonuclease; plus strand). Cytogenetic location: 1p34.1.
Variant type: single nucleotide variant.
Coding change: c.31C>G on transcript NM_001128425.2 (MANE Plus Clinical); coding-DNA position 31, C replaced by G.
Protein change: p.Leu11Val; replaces leucine 11 with valine.
Molecular consequence: missense variant. On other transcripts: 5 prime UTR variant (8), non-coding transcript variant (3).
Genome position (GRCh38, 1-based): chr1:45,340,224, G>C on the plus strand (C>G on the coding strand, the complement: MUTYH is on the minus strand). VCF-style: chr1-45340224-G-C. GRCh37 (hg19) VCF-style: chr1-45805896-G-C.
Other names: c.-29G>C (NM_025077.4); c.-12C>G (NM_001048171.2); c.31C>G, p.Leu11Val (NM_001293190.2, NM_001407069.1, NM_001407073.1 and 1 more transcripts); c.-224C>G (NM_001293192.2); c.-283C>G (NM_001350650.2); c.-219C>G (NM_001350651.2); c.-28C>G (NM_001407070.1, NM_001407071.1); c.-8C>G (NM_001407072.1); short protein forms L11V.
Identifiers: ClinVar variation 238344 (VCV000238344.15), dbSNP rs878854188, ClinGen allele CA10581815.